The following is an entry in ClinVar:

NM_002485.5(NBN):c.2049_2057del (p.Asn684_Lys686del)

Gene: NBN (nibrin; minus strand). Cytogenetic location: 8q21.3.
Variant type: Deletion.
Coding change: c.2049_2057del on transcript NM_002485.5 (MANE Select); coding-DNA positions 2049 to 2057, 9 bases deleted (AAATTTCAA; older notation c.2049_2057delAAATTTCAA).
Protein change: p.Asn684_Lys686del.
Molecular consequence: inframe deletion.
Genome position (GRCh38, 1-based): chr8:89,946,153-89,946,161, TTGAAATTT deleted on the plus strand (AAATTTCAA on the coding strand, the reverse complement: NBN is on the minus strand); deleting any 9 consecutive bases within chr8:89,946,153-89,946,163 gives the same sequence; the c. name uses the placement nearest the transcript's 3' end. VCF-style (leftmost placement, unchanged base first): chr8-89946152-CTTGAAATTT-C. GRCh37 (hg19) VCF-style: chr8-90958380-CTTGAAATTT-C.
Other names: c.1803_1811del, p.Asn602_Lys604del (NM_001024688.3).
Identifiers: ClinVar variation 1488468 (VCV001488468.6), dbSNP rs2130763620, ClinGen allele CA2573143340.

ClinVar aggregate classification (germline): Uncertain significance (1 of 4 stars; one submission).

Conditions:
Microcephaly, normal intelligence and immunodeficiency (NBS). Also called: BERLIN BREAKAGE SYNDROME; Nijmegen breakage syndrome; Microcephaly with normal intelligence immunodeficiency and lymphoreticular malignancies; Nonsyndromal microcephaly autosomal recessive with normal intelligence; Seemanova syndrome 2; IMMUNODEFICIENCY, MICROCEPHALY, AND CHROMOSOMAL INSTABILITY. Identifiers: Orphanet 647, MedGen C0398791, MONDO:0009623, OMIM 251260.

Submission:

Labcorp Genetics (formerly Invitae), Labcorp
Classification: Uncertain significance for Microcephaly, normal intelligence and immunodeficiency. Last evaluated: 2022-10-13. Review status: criteria provided, single submitter. Criteria: Invitae Variant Classification Sherloc (09022015). Collection method: clinical testing. Allele origin: germline.
Comment: This variant, c.2049_2057del, results in the deletion of 3 amino acids of the NBN protein (p.Asn684_Lys686del), but otherwise preserves the integrity of the reading frame. This variant is not present in population databases (gnomAD no frequency). This variant has not been reported in the literature in individuals affected with NBN-related conditions. ClinVar contains an entry for this variant (Variation ID: 1488468). Experimental studies and prediction algorithms are not available or were not evaluated, and the functional significance of this variant is currently unknown. In summary, the available evidence is currently insufficient to determine the role of this variant in disease. Therefore, it has been classified as a Variant of Uncertain Significance.